The following is an entry in ClinVar:

ClinVar aggregate classification (germline): Uncertain significance (1 of 4 stars; one submission).

Submission:

Dasa
Classification: Uncertain significance. Last evaluated: 2025-10-24. Review status: criteria provided, single submitter. Criteria: DASA Assertion Criteria. Collection method: clinical testing. Allele origin: germline.
Comment: NM_001145358.2(SIN3A):c.2594A>C (p.Lys865Thr) is a missense variant that results in the substitution of lysine with threonine. This variant is rare in population databases. Computational prediction algorithms are consistent with a benign effect. The currently available literature and clinical evidence are not sufficient to establish a definitive association between this variant and the reported condition. Therefore, this variant is classified as a variant of uncertain significance.

NM_001145358.2(SIN3A):c.2594A>C (p.Lys865Thr)

Gene: SIN3A (SIN3 transcription regulator family member A; minus strand). Cytogenetic location: 15q24.2.
Variant type: single nucleotide variant.
Coding change: c.2594A>C on transcript NM_001145358.2 (MANE Select); coding-DNA position 2594, A replaced by C.
Protein change: p.Lys865Thr; replaces lysine 865 with threonine.
Molecular consequence: missense variant.
Genome position (GRCh38, 1-based): chr15:75,392,499, T>G on the plus strand (A>C on the coding strand, the complement: SIN3A is on the minus strand). VCF-style: chr15-75392499-T-G. GRCh37 (hg19) VCF-style: chr15-75684840-T-G.
Other names: c.2594A>C, p.Lys865Thr (NM_001145357.2, NM_001437462.1, NM_001437463.1 and 1 more transcripts); short protein forms K865T.
Identifiers: ClinVar variation 4883160 (VCV004883160.2).